The following is an entry in ClinVar:

NM_001371928.1(AHDC1):c.1889dup (p.Arg631fs)

Gene: AHDC1 (AT-hook DNA binding motif containing 1; minus strand). Cytogenetic location: 1p36.11.
Variant type: Duplication.
Coding change: c.1889dup on transcript NM_001371928.1 (MANE Select); coding-DNA position 1889, one base duplicated (G; older notation c.1889dupG).
Protein change: p.Arg631fs; shifts the reading frame from arginine 631.
Molecular consequence: frameshift variant.
Genome position (GRCh38, 1-based): chr1:27,550,227, C duplicated on the plus strand (G on the coding strand, the reverse complement: AHDC1 is on the minus strand); the first of 2 consecutive C bases (chr1:27,550,227-27,550,228); duplicating either gives the same sequence. VCF-style (leftmost placement, unchanged base first): chr1-27550226-T-TC. GRCh37 (hg19) VCF-style: chr1-27876737-T-TC.
Other names: c.1889dup, p.Arg631fs (NM_001029882.3); short protein forms R631fs.
Identifiers: ClinVar variation 3382891 (VCV003382891.2).

ClinVar aggregate classification (germline): Pathogenic (1 of 4 stars; one submission).

Conditions:
AHDC1-related intellectual disability - obstructive sleep apnea - mild dysmorphism syndrome. Also called: Xia-Gibbs syndrome. Identifiers: Orphanet 412069, MedGen C4014419, MONDO:0014358, OMIM 615829.

Submission:

Juno Genomics, Hangzhou Juno Genomics, Inc
Classification: Pathogenic for AHDC1-related intellectual disability - obstructive sleep apnea - mild dysmorphism syndrome. Review status: criteria provided, single submitter. Criteria: ACMG Guidelines, 2015. Collection method: clinical testing. Allele origin: germline. Affected: yes.
Comment: Null variant in a gene where loss of function (LOF) is a known mechanism of disease.;Absent from controls (or at extremely low frequency if recessive) in Genome Aggregation Database, Exome Sequencing Project, 1000 Genomes Project, or Exome Aggregation Consortium.;Assumed de novo, but without confirmation of paternity and maternity.;Patient's phenotype or family history is highly specific for a disease with a single genetic etiology.